The following is an entry in ClinVar:

NM_033305.3(VPS13A):c.8193delinsACTGTCTCTTATACACATCT (p.Val2732fs)

Gene: VPS13A (vacuolar protein sorting 13 homolog A; plus strand). Cytogenetic location: 9q21.2.
Variant type: Indel.
Coding change: c.8193delinsACTGTCTCTTATACACATCT on transcript NM_033305.3 (MANE Select); coding-DNA position 8193, G replaced by ACTGTCTCTTATACACATCT.
Protein change: p.Val2732fs; shifts the reading frame from valine 2732.
Molecular consequence: frameshift variant.
Genome position (GRCh38, 1-based): chr9:77,360,623, G replaced by ACTGTCTCTTATACACATCT. VCF-style: chr9-77360623-G-ACTGTCTCTTATACACATCT. GRCh37 (hg19) VCF-style: chr9-79975539-G-ACTGTCTCTTATACACATCT.
Other names: c.8076delinsACTGTCTCTTATACACATCT, p.Val2693fs (NM_001018037.2); c.8193delinsACTGTCTCTTATACACATCT, p.Val2732fs (NM_001018038.3, NM_015186.4); short protein forms V2693fs, V2732fs.
Identifiers: ClinVar variation 5010523 (VCV005010523.1).

ClinVar aggregate classification (germline): Pathogenic (1 of 4 stars; one submission).

Conditions:
VPS13A-related neurodegenerative disease. Also called: ACANTHOCYTOSIS WITH NEUROLOGIC DISORDER; LEVINE-CRITCHLEY SYNDROME; Choreoacanthocytosis; Chorea-acanthocytosis; Choreaacanthocytosis; VPS13A Disease. Identifiers: Orphanet 2388, MedGen C0393576, MONDO:0008695, OMIM 200150.

Submission:

Myriad Genetics, Inc.
Classification: Pathogenic for VPS13A-related neurodegenerative disease. Last evaluated: 2024-05-14. Review status: criteria provided, single submitter. Criteria: Myriad Autosomal Dominant, Autosomal Recessive and X-Linked Classification Criteria (2023). Collection method: clinical testing. Allele origin: unknown.
Comment: NM_033305.2(VPS13A):c.8193del1ins20(V2732Lfs*9) is expected to be pathogenic in the context of VPS13A disease. This variant is predicted to lead to an abnormal or absent protein product due to the creation of a premature termination codon in VPS13A, a gene where loss-of-function variants are known to be pathogenic. Please note: this variant was assessed in the context of healthy population screening.